The following is an entry in ClinVar:

NM_001035.3(RYR2):c.9857A>G (p.Asn3286Ser)

Gene: RYR2 (ryanodine receptor 2; plus strand). Cytogenetic location: 1q43.
Variant type: single nucleotide variant.
Coding change: c.9857A>G on transcript NM_001035.3 (MANE Select); coding-DNA position 9857, A replaced by G.
Protein change: p.Asn3286Ser; replaces asparagine 3286 with serine.
Molecular consequence: missense variant.
Genome position (GRCh38, 1-based): chr1:237,707,225, A>G. VCF-style: chr1-237707225-A-G. GRCh37 (hg19) VCF-style: chr1-237870525-A-G.
Other names: short protein forms N3286S.
Identifiers: ClinVar variation 4757587 (VCV004757587.1).

ClinVar aggregate classification (germline): Uncertain significance (1 of 4 stars; one submission).

Conditions:
Cardiomyopathy (CMYO). Also called: Cardiomyopathies. Identifiers: Orphanet 167848, MedGen C0878544, MONDO:0004994, HP:0001638. Inheritance: Various modes of inheritance.

gnomAD v4.1: 2 of 1,587,290 alleles (0.00013%); highest among the groups gnomAD compares: Non-Finnish European, 0.00017%; no homozygotes.

Submission:

Color Diagnostics, LLC DBA Color Health
Classification: Uncertain significance for Cardiomyopathy. Last evaluated: 2025-06-30. Review status: criteria provided, single submitter. Criteria: ACMG Guidelines, 2015. Collection method: clinical testing. Allele origin: germline.
Comment: This missense variant replaces asparagine with serine at codon 3286 of the RYR2 protein. Computational prediction suggests that this variant may not impact protein structure and function. To our knowledge, functional studies have not been reported for this variant. This variant has not been reported in individuals affected with RYR2-related disorders in the literature. This variant has not been identified in the general population by the Genome Aggregation Database (gnomAD). The available evidence is insufficient to determine the role of this variant in disease conclusively. Therefore, this variant is classified as a Variant of Uncertain Significance.